The following is an entry in ClinVar:

ClinVar aggregate classification (germline): Conflicting classifications of pathogenicity. Review status: criteria provided, conflicting classifications (1 of 4 stars). 3 submissions from 3 submitters: Uncertain significance (2); Likely benign (1). Last evaluated 2024-11-26.

Submissions (3):

Blueprint Genetics
Classification: Likely benign. Last evaluated: 2024-11-26. Review status: criteria provided, single submitter. Criteria: ACMG Guidelines, 2015. Collection method: clinical testing. Allele origin: germline.

Labcorp Genetics (formerly Invitae), Labcorp
Classification: Uncertain significance. Last evaluated: 2023-08-30. Review status: criteria provided, single submitter. Criteria: Invitae Variant Classification Sherloc (09022015). Collection method: clinical testing. Allele origin: germline.
Comment: In summary, the available evidence is currently insufficient to determine the role of this variant in disease. Therefore, it has been classified as a Variant of Uncertain Significance. ClinVar contains an entry for this variant (Variation ID: 1987206). This variant has not been reported in the literature in individuals affected with DNAJB11-related conditions. This variant is not present in population databases (gnomAD no frequency). This sequence change falls in intron 9 of the DNAJB11 gene. It does not directly change the encoded amino acid sequence of the DNAJB11 protein.

Breakthrough Genomics
Classification: Uncertain significance. Review status: criteria provided, single submitter. Criteria: ACMG Guidelines, 2015. Collection method: not provided. Allele origin: germline. Inheritance: Autosomal dominant inheritance. Affected: yes.

NM_016306.6(DNAJB11):c.1012+13_1012+14insTTGTGTGTGTGTGTGT

Gene: DNAJB11 (DnaJ heat shock protein family (Hsp40) member B11; plus strand). Cytogenetic location: 3q27.3.
Variant type: Insertion.
Coding change: c.1012+13_1012+14insTTGTGTGTGTGTGTGT on transcript NM_016306.6 (MANE Select); bases 13 to 14 of the intron after coding-DNA position 1012, TTGTGTGTGTGTGTGT inserted.
Molecular consequence: intron variant.
Genome position: GRCh38 VCF-style: chr3-186584602-A-ATTGTGTGTGTGTGTGT. GRCh37 (hg19) VCF-style: chr3-186302391-A-ATTGTGTGTGTGTGTGT.
Other names: c.736+13_736+14insTTGTGTGTGTGTGTGT (NM_001378451.1).
Identifiers: ClinVar variation 1987206 (VCV001987206.6), dbSNP rs140269415, ClinGen allele CA437359001.